The following is an entry in ClinVar:

ClinVar aggregate classification (germline): Pathogenic. Review status: criteria provided, multiple submitters, no conflicts (2 of 4 stars). 6 submissions from 6 submitters: Pathogenic (5). 1 of the submissions does not count toward it. Last evaluated 2025-10-14.

Conditions:
Finnish congenital nephrotic syndrome (NPHS1). Also called: NEPHROTIC SYNDROME, TYPE 1. Identifiers: Orphanet 839, MedGen C0403399, MONDO:0009732, OMIM 256300.

gnomAD v4.1: 1 of 1,614,102 alleles (0.000062%); no homozygotes.

Submissions (6):

Natera, Inc.
Classification: Pathogenic for Finnish congenital nephrotic syndrome. Last evaluated: 2025-10-14. Review status: criteria provided, single submitter. Criteria: Natera Variant Classification Schema (03/2026). Collection method: clinical testing. Allele origin: germline.
Comment: The c.565G>T variant in NPHS1 is a nonsense variant predicted to introduce a stop codon at amino acid 189. This variant is expected to result in nonsense mediated decay, truncation, or a dysfunctional protein product. This variant is rare in the general population with a frequency below the threshold expected for the associated phenotype(s). This variant has been observed in one or more individuals affected with the associated recessive disease, as either homozygous or compound heterozygous with a second variant (PMID: 28780565, 21672106). Given the available evidence, this variant is classified as Pathogenic.

Labcorp Genetics (formerly Invitae), Labcorp
Classification: Pathogenic. Last evaluated: 2025-06-29. Review status: criteria provided, single submitter. Criteria: Invitae Variant Classification Sherloc (09022015). Collection method: clinical testing. Allele origin: germline.
Comment: This sequence change creates a premature translational stop signal (p.Glu189*) in the NPHS1 gene. It is expected to result in an absent or disrupted protein product. Loss-of-function variants in NPHS1 are known to be pathogenic (PMID: 11317351, 11854170, 12039988). This variant is not present in population databases (gnomAD no frequency). This premature translational stop signal has been observed in individual(s) with congenital nephrotic syndrome (PMID: 21672106). ClinVar contains an entry for this variant (Variation ID: 188816). Algorithms developed to predict the effect of sequence changes on RNA splicing suggest that this variant may disrupt the consensus splice site. For these reasons, this variant has been classified as Pathogenic.

Fulgent Genetics
Classification: Pathogenic for Finnish congenital nephrotic syndrome. Last evaluated: 2024-05-07. Review status: criteria provided, single submitter. Criteria: ACMG Guidelines, 2015. Collection method: clinical testing. Allele origin: germline.

Women's Health and Genetics/Laboratory Corporation of America, LabCorp
Classification: Pathogenic for Finnish congenital nephrotic syndrome. Last evaluated: 2020-05-17. Review status: criteria provided, single submitter. Criteria: LabCorp Variant Classification Summary - May 2015. Collection method: clinical testing. Allele origin: germline.
Comment: Variant summary: NPHS1 c.565G>T (p.Glu189X) results in a premature termination codon, predicted to cause a truncation of the encoded protein or absence of the protein due to nonsense mediated decay, which are commonly known mechanisms for disease. Truncations downstream of this position have been classified as pathogenic by our laboratory. The variant was absent in 251490 control chromosomes. c.565G>T has been reported in the literature in at-least one individual affected with Nephrotic Syndrome, Type 1 (example, Chaudhuri_2012) and has also been cited elsewhere (example, Holmberg_2014). To our knowledge, no experimental evidence demonstrating an impact on protein function has been reported. One clinical diagnostic laboratory has submitted clinical-significance assessments for this variant to ClinVar after 2014 without evidence for independent evaluation and classified the variant as pathogenic. Based on the evidence outlined above, the variant was classified as pathogenic.

Athena Diagnostics
Classification: Pathogenic. Last evaluated: 2016-05-20. Review status: criteria provided, single submitter. Criteria: Athena Diagnostics Criteria. Collection method: clinical testing. Allele origin: germline.

Counsyl
Classification: Likely pathogenic for Finnish congenital nephrotic syndrome. Last evaluated: 2014-06-06. Review status: no assertion criteria provided. Collection method: literature only. Allele origin: unknown. Inheritance: Autosomal recessive inheritance. Not counted in ClinVar's aggregate classification.

Literature cited by the submitters: PubMed 28780565 (cited by Natera, Inc.); PubMed 21672106 (cited by 5 submitters); PubMed 11317351 (cited by Labcorp Genetics (formerly Invitae), Labcorp); PubMed 11854170 (cited by Labcorp Genetics (formerly Invitae), Labcorp); PubMed 12039988 (cited by Labcorp Genetics (formerly Invitae), Labcorp); PubMed 24682440 (cited by Women's Health and Genetics/Laboratory Corporation of America, LabCorp).

NM_004646.4(NPHS1):c.565G>T (p.Glu189Ter)

Gene: NPHS1 (NPHS1 adhesion molecule, nephrin; minus strand). Cytogenetic location: 19q13.12.
Variant type: single nucleotide variant.
Coding change: c.565G>T on transcript NM_004646.4 (MANE Select); coding-DNA position 565, G replaced by T.
Protein change: p.Glu189Ter; replaces glutamic acid 189 with a stop codon.
Molecular consequence: nonsense.
Genome position (GRCh38, 1-based): chr19:35,850,407, C>A on the plus strand (G>T on the coding strand, the complement: NPHS1 is on the minus strand). VCF-style: chr19-35850407-C-A. GRCh37 (hg19) VCF-style: chr19-36341309-C-A.
Other names: short protein forms E189*.
Identifiers: ClinVar variation 188816 (VCV000188816.18), dbSNP rs139598219, ClinGen allele CA250312.
Genomic context (GRCh38, chr19:35,850,407, plus strand): 5'-TGTTTCAGTTTCCACACCTGGCTGTGGCCTCCACAGTGAAGAGTTTCTGCTGGGAGCCCT[C>A]GTTCACGTTTGCAGAGATGTCAGATATTGTCTGTCCACCTTGGGGCAGCAAGAGGGCTAG-3'